The following is an entry in ClinVar:

ClinVar aggregate classification (germline): Uncertain significance (1 of 4 stars; one submission).

Conditions:
Fetal akinesia deformation sequence 1 (FADS1). Also called: Fetal akinesia sequence; Pena-Shokeir syndrome type I. Identifiers: Orphanet 994, MedGen C1276035, MONDO:0100101, OMIM 208150, HP:0001989.
Congenital myasthenic syndrome 10. Also called: Myasthenia, limb-girdle, familial. Identifiers: Orphanet 590, MedGen C1850792, MONDO:0009690, OMIM 254300.

gnomAD v4.1: 2 of 1,610,944 alleles (0.00012%); highest among the groups gnomAD compares: Non-Finnish European, 0.000085%; no homozygotes.

Submission:

Labcorp Genetics (formerly Invitae), Labcorp
Classification: Uncertain significance for Congenital myasthenic syndrome 10; Fetal akinesia deformation sequence 1. Last evaluated: 2019-11-26. Review status: criteria provided, single submitter. Criteria: Invitae Variant Classification Sherloc (09022015). Collection method: clinical testing. Allele origin: germline.
Comment: In summary, the available evidence is currently insufficient to determine the role of this variant in disease. Therefore, it has been classified as a Variant of Uncertain Significance. Algorithms developed to predict the effect of missense changes on protein structure and function are either unavailable or do not agree on the potential impact of this missense change (SIFT: "Deleterious"; PolyPhen-2: "Probably Damaging"; Align-GVGD: "Class C0"). This variant has not been reported in the literature in individuals with DOK7-related conditions. This variant is not present in population databases (ExAC no frequency). This sequence change replaces threonine with lysine at codon 77 of the DOK7 protein (p.Thr77Lys). The threonine residue is moderately conserved and there is a moderate physicochemical difference between threonine and lysine.

NM_173660.5(DOK7):c.230C>A (p.Thr77Lys)

Gene: DOK7 (docking protein 7; plus strand). Cytogenetic location: 4p16.3.
Variant type: single nucleotide variant.
Coding change: c.230C>A on transcript NM_173660.5 (MANE Select); coding-DNA position 230, C replaced by A.
Protein change: p.Thr77Lys; replaces threonine 77 with lysine.
Molecular consequence: missense variant. On other transcripts: intron variant (1).
Genome position (GRCh38, 1-based): chr4:3,473,535, C>A. VCF-style: chr4-3473535-C-A. GRCh37 (hg19) VCF-style: chr4-3475262-C-A.
Other names: c.230C>A, p.Thr77Lys (NM_001164673.2, NM_001301071.2); c.100+9984C>A (NM_001363811.2); short protein forms T77K.
Identifiers: ClinVar variation 852314 (VCV000852314.10), dbSNP rs940346413, ClinGen allele CA356113448.